The following is an entry in ClinVar:

ClinVar aggregate classification (germline): Uncertain significance (1 of 4 stars; one submission).

Conditions:
Basal cell carcinoma, susceptibility to, 1. Also called: BCC1. Identifiers: MedGen C2751544, MONDO:0011556, OMIM 605462.

gnomAD v4.1: 3 of 1,564,072 alleles (0.00019%); highest among the groups gnomAD compares: Admixed American, 0.0057%; no homozygotes.

Submission:

Institute for Genomic Medicine (IGM) Clinical Laboratory, Nationwide Children's Hospital
Classification: Uncertain significance for Basal cell carcinoma, susceptibility to, 1. Last evaluated: 2023-05-17. Review status: criteria provided, single submitter. Criteria: ACMG Guidelines, 2015. Collection method: clinical testing. Allele origin: germline.
Comment: This variant is absent from or present at an exceedingly low frequency in gnomAD, a large-scale control population database (ACMG/AMP: PM2).

NM_005631.5(SMO):c.382G>A (p.Ala128Thr)

Gene: SMO (smoothened, frizzled class receptor; plus strand). Cytogenetic location: 7q32.1.
Variant type: single nucleotide variant.
Coding change: c.382G>A on transcript NM_005631.5 (MANE Select); coding-DNA position 382, G replaced by A.
Protein change: p.Ala128Thr; replaces alanine 128 with threonine.
Molecular consequence: missense variant.
Genome position (GRCh38, 1-based): chr7:129,203,434, G>A. VCF-style: chr7-129203434-G-A. GRCh37 (hg19) VCF-style: chr7-128843275-G-A.
Other names: short protein forms A128T.
Identifiers: ClinVar variation 4759326 (VCV004759326.1).